The following is an entry in ClinVar:

ClinVar aggregate classification (germline): Uncertain significance. Review status: criteria provided, single submitter (1 of 4 stars). 2 submissions from 2 submitters: Uncertain significance (1). 1 of the submissions does not count toward it. Last evaluated 2025-07-13.

Allele frequency attached by ClinVar (database versions not stated): ESP Exome Variant Server 0.00015; TOPMed 0.00008; gnomAD 0.00006.
gnomAD v4.1: 17 of 1,612,070 alleles (0.0011%); highest among the groups gnomAD compares: African/African-American, 0.016%; no homozygotes.

Submissions (2):

Labcorp Genetics (formerly Invitae), Labcorp
Classification: Uncertain significance. Last evaluated: 2025-07-13. Review status: criteria provided, single submitter. Criteria: Invitae Variant Classification Sherloc (09022015). Collection method: clinical testing. Allele origin: germline.
Comment: This sequence change falls in intron 7 of the MECOM gene. It does not directly change the encoded amino acid sequence of the MECOM protein. It affects a nucleotide within the consensus splice site. This variant is present in population databases (rs370667993, gnomAD 0.007%). This variant has not been reported in the literature in individuals affected with MECOM-related conditions. ClinVar contains an entry for this variant (Variation ID: 2443176). Variants that disrupt the consensus splice site are a relatively common cause of aberrant splicing (PMID: 17576681, 9536098). Algorithms developed to predict the effect of sequence changes on RNA splicing suggest that this variant is not likely to affect RNA splicing. In summary, the available evidence is currently insufficient to determine the role of this variant in disease. Therefore, it has been classified as a Variant of Uncertain Significance.

Genetic Services Laboratory, University of Chicago
Classification: Likely benign. Last evaluated: 2022-07-28. Review status: no assertion criteria provided. Collection method: clinical testing. Allele origin: germline. Affected: no. Not counted in ClinVar's aggregate classification.

Literature cited by the submitters: PubMed 17576681 (cited by Labcorp Genetics (formerly Invitae), Labcorp); PubMed 9536098 (cited by Labcorp Genetics (formerly Invitae), Labcorp).

NM_004991.4(MECOM):c.2489+6C>T

Gene: MECOM (MDS1 and EVI1 complex locus; minus strand). Cytogenetic location: 3q26.2.
Variant type: single nucleotide variant.
Coding change: c.2489+6C>T on transcript NM_004991.4 (MANE Select); 6 bases into the intron after coding-DNA position 2489, C replaced by T.
Molecular consequence: intron variant.
Genome position (GRCh38, 1-based): chr3:169,115,377, G>A on the plus strand (C>T on the coding strand, the complement: MECOM is on the minus strand). VCF-style: chr3-169115377-G-A. GRCh37 (hg19) VCF-style: chr3-168833165-G-A.
Other names: c.1925+6C>T (NM_001205194.2, NM_001164000.2, NM_001366469.2 and 4 more transcripts); c.1517+6C>T (NM_001366473.2); c.2489+6C>T (NM_001366466.2); c.953+6C>T (NM_001366474.2); c.1928+6C>T (NM_001366470.2, NM_001366467.2, NM_001366468.2 and 1 more transcripts); c.2120+6C>T (NM_001105077.4).
Identifiers: ClinVar variation 2443176 (VCV002443176.5), dbSNP rs370667993, ClinGen allele CA87591920.
Genomic context (GRCh38, chr3:169,115,377, plus strand): 5'-CTTTACAGTGGAAATACCGCCTTTCATACATCTGCTCATATTTCGTCATCTTCCATACAC[G>A]CTTACCTGTAAATAGGGTCCATAAAGAAAGGAGTGGGTCTTGCATGCTGCAAGGAACCAT-3'